The following is an entry in ClinVar:

ClinVar aggregate classification (germline): Uncertain significance (1 of 4 stars; one submission).

Conditions:
Dyskeratosis congenita. Identifiers: Orphanet 1775, MedGen C0265965, MONDO:0015780.

Submission:

Ambry Genetics
Classification: Uncertain significance for Dyskeratosis congenita. Last evaluated: 2023-01-18. Review status: criteria provided, single submitter. Criteria: Ambry Variant Classification Scheme 2023. Collection method: clinical testing. Allele origin: germline.
Comment: The p.S993G variant (also known as c.2977A>G), located in coding exon 13 of the TERT gene, results from an A to G substitution at nucleotide position 2977. The serine at codon 993 is replaced by glycine, an amino acid with similar properties. This amino acid position is conserved. In addition, this alteration is predicted to be tolerated by in silico analysis. Since supporting evidence is limited at this time, the clinical significance of this alteration remains unclear.

NM_198253.3(TERT):c.2977A>G (p.Ser993Gly)

Gene: TERT (telomerase reverse transcriptase; minus strand). Cytogenetic location: 5p15.33.
Variant type: single nucleotide variant.
Coding change: c.2977A>G on transcript NM_198253.3 (MANE Select); coding-DNA position 2977, A replaced by G.
Protein change: p.Ser993Gly; replaces serine 993 with glycine.
Molecular consequence: missense variant. On other transcripts: non-coding transcript variant (2).
Genome position (GRCh38, 1-based): chr5:1,258,653, T>C on the plus strand (A>G on the coding strand, the complement: TERT is on the minus strand). VCF-style: chr5-1258653-T-C. GRCh37 (hg19) VCF-style: chr5-1258768-T-C.
Other names: c.2788A>G, p.Ser930Gly (NM_001193376.3); c.2977A>G, p.Ser993Gly (NM_003219.1); short protein forms S993G, S930G.
Identifiers: ClinVar variation 2454080 (VCV002454080.2), dbSNP rs2478107156, ClinGen allele CA359068976.